The following is an entry in ClinVar:

NM_001875.5(CPS1):c.3977_3978del (p.Arg1326fs)

Gene: CPS1 (carbamoyl-phosphate synthase 1; plus strand). Cytogenetic location: 2q34.
Variant type: Microsatellite.
Coding change: c.3977_3978del on transcript NM_001875.5 (MANE Select); coding-DNA positions 3977 to 3978, 2 bases deleted (GA; older notation c.3977_3978delGA).
Protein change: p.Arg1326fs; shifts the reading frame from arginine 1326.
Molecular consequence: frameshift variant. On other transcripts: non-coding transcript variant (2).
Genome position (GRCh38, 1-based): chr2:210,663,172-210,663,173, GA deleted; deleting any 2 consecutive bases within chr2:210,663,170-210,663,173 gives the same sequence; the c. name uses the placement nearest the transcript's 3' end. VCF-style (leftmost placement, unchanged base first): chr2-210663169-TGA-T. GRCh37 (hg19) VCF-style: chr2-211527893-TGA-T.
Other names: c.3977_3978del, p.Arg1326fs (NM_001122633.3, NM_001369257.1); c.4010_4011del, p.Arg1337fs (NM_001369256.1); short protein forms R1326fs, R1337fs.
Identifiers: ClinVar variation 1725217 (VCV001725217.2), dbSNP rs2469340233, ClinGen allele CA2580616671.

ClinVar aggregate classification (germline): Likely pathogenic (1 of 4 stars; one submission).

Conditions:
Congenital hyperammonemia, type I. Also called: Carbamoyl phosphate synthetase 1 deficiency; Hyperammonemia due to carbamoyl phosphate synthetase 1 deficiency; CPS 1 deficiency; Carbamyl phosphate synthetase (CPS) deficiency; CPS I DEFICIENCY; Carbamoyl-phosphate synthase I deficiency. Identifiers: Orphanet 147, MedGen C4082171, MONDO:0009376, OMIM 237300.

Submission:

Myriad Genetics, Inc.
Classification: Likely pathogenic for Congenital hyperammonemia, type I. Last evaluated: 2022-03-14. Review status: criteria provided, single submitter. Criteria: Myriad Women's Health Autosomal Recessive and X-Linked Classification Criteria (2021). Collection method: clinical testing. Allele origin: unknown.
Comment: NM_001875.4(CPS1):c.3977_3978delGA(R1326Mfs*2) is expected to be pathogenic in the context of carbamoylphosphate synthetase I deficiency. This variant is predicted to lead to an abnormal or absent protein product due to the creation of a premature termination codon in CPS1, a gene where loss-of-function variants are known to be pathogenic. Please note: this variant was assessed in the context of healthy population screening.